The following is an entry in ClinVar:

ClinVar aggregate classification (germline): Uncertain significance (1 of 4 stars; one submission).

gnomAD v4.1: 5 of 1,612,706 alleles (0.00031%); highest among the groups gnomAD compares: Non-Finnish European, 0.00042%; no homozygotes.

Submission:

ARUP Laboratories, Molecular Genetics and Genomics, ARUP Laboratories
Classification: Uncertain significance. Last evaluated: 2024-12-09. Review status: criteria provided, single submitter. Criteria: ARUP Molecular Germline Variant Investigation Process 2024. Collection method: clinical testing. Allele origin: germline.
Comment: The PIK3CD c.1955+6G>T variant (rs529741352), to our knowledge, is not reported in the medical literature or gene specific databases. This variant is also absent from the Genome Aggregation Database (v2.1.1), indicating it is not a common polymorphism. This is an intronic variant and computational analyses (Alamut Visual Plus v.1.5.1) predict that this variant does not alter splicing. However, since this variant is located within the minimal splice region, the clinical significance of this variant is uncertain at this time.

NM_005026.5(PIK3CD):c.1955+6G>T

Gene: PIK3CD (phosphatidylinositol-4,5-bisphosphate 3-kinase catalytic subunit delta; plus strand). Cytogenetic location: 1p36.22.
Variant type: single nucleotide variant.
Coding change: c.1955+6G>T on transcript NM_005026.5 (MANE Select); 6 bases into the intron after coding-DNA position 1955, G replaced by T.
Molecular consequence: intron variant.
Genome position (GRCh38, 1-based): chr1:9,721,593, G>T. VCF-style: chr1-9721593-G-T. GRCh37 (hg19) VCF-style: chr1-9781651-G-T.
Other names: c.1812-168G>T (NM_001437547.1, NM_001438338.1); c.1952+6G>T (NM_001439206.1, NM_001350234.2); c.1955+6G>T (NM_001437546.1); c.1868+6G>T (NM_001350235.1).
Identifiers: ClinVar variation 4685595 (VCV004685595.1).